The following is an entry in ClinVar:

NM_004628.5(XPC):c.2317C>T (p.Gln773Ter)

Gene: XPC (XPC complex subunit, DNA damage recognition and repair factor; minus strand). Cytogenetic location: 3p25.1.
Variant type: single nucleotide variant.
Coding change: c.2317C>T on transcript NM_004628.5 (MANE Select); coding-DNA position 2317, C replaced by T.
Protein change: p.Gln773Ter; replaces glutamine 773 with a stop codon.
Molecular consequence: nonsense. On other transcripts: non-coding transcript variant (2).
Genome position (GRCh38, 1-based): chr3:14,148,665, G>A on the plus strand (C>T on the coding strand, the complement: XPC is on the minus strand). VCF-style: chr3-14148665-G-A. GRCh37 (hg19) VCF-style: chr3-14190165-G-A.
Other names: c.1738C>T, p.Gln580Ter (NM_001354726.2); c.2311C>T, p.Gln771Ter (NM_001354727.2); c.2299C>T, p.Gln767Ter (NM_001354729.2); c.2071C>T, p.Gln691Ter (NM_001354730.2); short protein forms Q773*, Q691*, Q771*, Q580*, Q767*.
Identifiers: ClinVar variation 550662 (VCV000550662.6), dbSNP rs1281090187, ClinGen allele CA351537856.
Genomic context (GRCh38, chr3:14,148,665, plus strand): 5'-CCTGGACACAGTCGATGTCCAGCTTGCGGGCCACGCGGTGTAGATTGGGCAGGTTCAGCT[G>A]GACACAGCCAATAGGCATCATGCTGGGCAGGAAGAGGTACACATTCCCAAACTCGTTCCG-3'

ClinVar aggregate classification (germline): Pathogenic. Review status: criteria provided, single submitter (1 of 4 stars). 2 submissions from 2 submitters: Pathogenic (1). 1 of the submissions does not count toward it. Last evaluated 2023-02-20.

Conditions:
Xeroderma pigmentosum, group C (XPC). Also called: XERODERMA PIGMENTOSUM III; XP, GROUP C; Xeroderma pigmentosum, complementation group C; XPC-Related Xeroderma Pigmentosum. Identifiers: Orphanet 910, MedGen C2752147, MONDO:0010211, OMIM 278720.

Allele frequency attached by ClinVar (database versions not stated): TOPMed below 0.00001.

Submissions (2):

Labcorp Genetics (formerly Invitae), Labcorp
Classification: Pathogenic. Last evaluated: 2023-02-20. Review status: criteria provided, single submitter. Criteria: Invitae Variant Classification Sherloc (09022015). Collection method: clinical testing. Allele origin: germline.
Comment: For these reasons, this variant has been classified as Pathogenic. ClinVar contains an entry for this variant (Variation ID: 550662). This variant has not been reported in the literature in individuals affected with XPC-related conditions. This variant is not present in population databases (gnomAD no frequency). This sequence change creates a premature translational stop signal (p.Gln773*) in the XPC gene. It is expected to result in an absent or disrupted protein product. Loss-of-function variants in XPC are known to be pathogenic (PMID: 23173980, 25256075).

Counsyl
Classification: Likely pathogenic for Xeroderma pigmentosum, group C. Last evaluated: 2017-02-07. Review status: no assertion criteria provided. Collection method: clinical testing. Allele origin: unknown. Not counted in ClinVar's aggregate classification.

Literature cited by the submitters: PubMed 23173980 (cited by Labcorp Genetics (formerly Invitae), Labcorp); PubMed 25256075 (cited by Labcorp Genetics (formerly Invitae), Labcorp).